The following is an entry in ClinVar:

ClinVar aggregate classification (germline): Pathogenic. Review status: criteria provided, multiple submitters, no conflicts (2 of 4 stars). 2 submissions from 2 submitters: Pathogenic (2). Last evaluated 2025-02-25.

Conditions:
Osteogenesis imperfecta (OI). Identifiers: Orphanet 666, MedGen C0029434, MeSH D010013, MONDO:0019019.

Allele frequency attached by ClinVar (database versions not stated): gnomAD 0.00001 and 0.00002; gnomAD exomes 0.00001 and 0.00007; TOPMed 0.00003; ExAC 0.00006; 1000 Genomes Project 30x 0.00016; 1000 Genomes Project 0.00020.
gnomAD v4.1: 14 of 1,614,184 alleles (0.00087%); highest among the groups gnomAD compares: East Asian, 0.027%; no homozygotes.

Submissions (2):

Labcorp Genetics (formerly Invitae), Labcorp
Classification: Pathogenic. Last evaluated: 2025-02-25. Review status: criteria provided, single submitter. Criteria: Invitae Variant Classification Sherloc (09022015). Collection method: clinical testing. Allele origin: germline.
Comment: This sequence change replaces glycine, which is neutral and non-polar, with aspartic acid, which is acidic and polar, at codon 170 of the PPIB protein (p.Gly170Asp). This variant is present in population databases (rs199606428, gnomAD 0.08%). This missense change has been observed in individual(s) with osteogenesis imperfecta (PMID: 28242392, 32392875, 34659339). ClinVar contains an entry for this variant (Variation ID: 1393219). An algorithm developed to predict the effect of missense changes on protein structure and function (PolyPhen-2) suggests that this variant is likely to be disruptive. For these reasons, this variant has been classified as Pathogenic.

Women's Health and Genetics/Laboratory Corporation of America, LabCorp
Classification: Pathogenic for Osteogenesis imperfecta. Last evaluated: 2023-08-29. Review status: criteria provided, single submitter. Criteria: LabCorp Variant Classification Summary - May 2015. Collection method: clinical testing. Allele origin: germline.
Comment: Variant summary: PPIB c.509G>A (p.Gly170Asp) results in a non-conservative amino acid change located in the Cyclophilin-type peptidyl-prolyl cis-trans isomerase domain (IPR002130) of the encoded protein sequence. Five of five in-silico tools predict a damaging effect of the variant on protein function. The variant allele was found at a frequency of 6.8e-05 in 251494 control chromosomes (gnomAD). This frequency is not significantly higher than estimated for a pathogenic variant in PPIB causing Osteogenesis Imperfecta (6.8e-05 vs 0.0011), allowing no conclusion about variant significance. c.509G>A has been reported in the literature in multiple bi-allelic fetuses affected with Osteogenesis Imperfecta (example: Jiang_2017, Chang_2020, Zhu_2021, and Yang_2022). These data indicate that the variant is very likely to be associated with disease. To our knowledge, no experimental evidence demonstrating an impact on protein function has been reported. The following publications have been ascertained in the context of this evaluation (PMID: 32392875, 28242392, 35583673, 34659339). One submitter has cited clinical-significance assessments for this variant to ClinVar after 2014 and has classified the variant as uncertain significance. Based on the evidence outlined above, the variant was classified as pathogenic.

Literature cited by the submitters: PubMed 28242392 (cited by Labcorp Genetics (formerly Invitae), Labcorp and Women's Health and Genetics/Laboratory Corporation of America, LabCorp); PubMed 32392875 (cited by Labcorp Genetics (formerly Invitae), Labcorp and Women's Health and Genetics/Laboratory Corporation of America, LabCorp); PubMed 34659339 (cited by Labcorp Genetics (formerly Invitae), Labcorp and Women's Health and Genetics/Laboratory Corporation of America, LabCorp); PubMed 35583673 (cited by Women's Health and Genetics/Laboratory Corporation of America, LabCorp).

NM_000942.5(PPIB):c.509G>A (p.Gly170Asp)

Genes: SNX22 (sorting nexin 22; plus strand), PPIB (peptidylprolyl isomerase B; minus strand). Cytogenetic location: 15q22.31.
Variant type: single nucleotide variant.
Coding change: c.509G>A on transcript NM_000942.5 (MANE Select); coding-DNA position 509, G replaced by A.
Protein change: p.Gly170Asp; replaces glycine 170 with aspartic acid.
Molecular consequence: missense variant. On other transcripts: 3 prime UTR variant (1), non-coding transcript variant (1).
Genome position (GRCh38, 1-based): chr15:64,156,744, C>T on the plus strand (G>A on the coding strand, the complement: PPIB is on the minus strand). VCF-style: chr15-64156744-C-T. GRCh37 (hg19) VCF-style: chr15-64448943-C-T.
Other names: c.*2236C>T (NM_024798.3); short protein forms G170D.
Identifiers: ClinVar variation 1393219 (VCV001393219.6), dbSNP rs199606428, ClinGen allele CA7608464.